The following is an entry in ClinVar:

ClinVar aggregate classification (germline): Uncertain significance (1 of 4 stars; one submission).

gnomAD v4.1: 1 of 1,614,234 alleles (0.000062%); highest among the groups gnomAD compares: Non-Finnish European, 0.000085%; no homozygotes.

Submission:

GeneDx
Classification: Uncertain significance. Last evaluated: 2023-07-10. Review status: criteria provided, single submitter. Criteria: GeneDx Variant Classification Process June 2021. Collection method: clinical testing. Allele origin: germline. Affected: yes.
Comment: In silico analysis supports that this missense variant has a deleterious effect on protein structure/function; Has not been previously published as pathogenic or benign to our knowledge.

NM_007118.4(TRIO):c.8882C>T (p.Pro2961Leu)

Gene: TRIO (trio Rho guanine nucleotide exchange factor; plus strand). Cytogenetic location: 5p15.2.
Variant type: single nucleotide variant.
Coding change: c.8882C>T on transcript NM_007118.4 (MANE Select); coding-DNA position 8882, C replaced by T.
Protein change: p.Pro2961Leu; replaces proline 2961 with leucine.
Molecular consequence: missense variant. On other transcripts: non-coding transcript variant (1).
Genome position (GRCh38, 1-based): chr5:14,508,010, C>T. VCF-style: chr5-14508010-C-T. GRCh37 (hg19) VCF-style: chr5-14508119-C-T.
Other names: short protein forms P2961L.
Identifiers: ClinVar variation 3361105 (VCV003361105.1).